The following is an entry in ClinVar:

ClinVar aggregate classification (germline): Benign (1 of 4 stars; one submission).

Allele frequency attached by ClinVar (database versions not stated): 1000 Genomes Project 30x 0.74875; gnomAD 0.80568 and 0.80102; 1000 Genomes Project 0.74281; TOPMed 0.80352.
gnomAD v4.1: 121,754 of 152,056 alleles (80%); highest among the groups gnomAD compares: Non-Finnish European, 84%; 48,990 homozygotes.

Submissions (2):

GeneDx
Classification: Benign. Last evaluated: 2018-06-18. Review status: criteria provided, single submitter. Criteria: GeneDx Variant Classification (06012015). Collection method: clinical testing. Allele origin: germline. Affected: yes.
Comment: This variant is considered likely benign or benign based on one or more of the following criteria: it is a conservative change, it occurs at a poorly conserved position in the protein, it is predicted to be benign by multiple in silico algorithms, and/or has population frequency not consistent with disease.

Dr. Peter K. Rogan Lab, Western University
No classification provided (evidence only). Condition: Uterine carcinosarcoma. Review status: no classification provided. Collection method: in vitro. Allele origin: not applicable. Functional consequence: retained intron. Not counted in ClinVar's aggregate classification.

NM_001040142.2(SCN2A):c.477-289G>A

Gene: SCN2A (sodium voltage-gated channel alpha subunit 2; plus strand). Cytogenetic location: 2q24.3.
Variant type: single nucleotide variant.
Coding change: c.477-289G>A on transcript NM_001040142.2 (MANE Select); 289 bases into the intron before coding-DNA position 477, G replaced by A.
Molecular consequence: intron variant.
Genome position (GRCh38, 1-based): chr2:165,308,377, G>A. VCF-style: chr2-165308377-G-A. GRCh37 (hg19) VCF-style: chr2-166164887-G-A.
Other names: NC_000002.11:g.166164887G>A; c.477-289G>A (NM_001040143.2, NM_001371246.1, NM_001371247.1 and 1 more transcripts).
Identifiers: ClinVar variation 684237 (VCV000684237.2), dbSNP rs1965757, ClinGen allele CA59727649.
Genomic context (GRCh38, chr2:165,308,377, plus strand): 5'-ATATTTTATGAAATACAAATGCTTCACTCATTTTTGTATTAATACCTATTTGCTCAAATC[G>A]GACTGAATGCCAGTGTATTTCAGATTATGTCTTCATATAGAGCCACATTATTTGGATCCT-3'